The following is an entry in ClinVar:

ClinVar aggregate classification (germline): Likely pathogenic (1 of 4 stars; one submission).

Allele frequency attached by ClinVar (database versions not stated): TOPMed below 0.00001.
gnomAD v4.1: 11 of 1,612,662 alleles (0.00068%); highest among the groups gnomAD compares: Non-Finnish European, 0.00085%; no homozygotes.

Submission:

GeneDx
Classification: Likely pathogenic. Last evaluated: 2026-04-05. Review status: criteria provided, single submitter. Criteria: GeneDx Variant Classification Process June 2021. Collection method: clinical testing. Allele origin: germline.
Comment: Has not been previously published as pathogenic or benign to our knowledge; Not observed at significant frequency in large population cohorts (gnomAD); In silico analysis supports that this missense variant has a deleterious effect on protein structure/function

NM_016219.5(MAN1B1):c.1804G>A (p.Glu602Lys)

Gene: MAN1B1 (mannosidase alpha class 1B member 1; plus strand). Cytogenetic location: 9q34.3.
Variant type: single nucleotide variant.
Coding change: c.1804G>A on transcript NM_016219.5 (MANE Select); coding-DNA position 1804, G replaced by A.
Protein change: p.Glu602Lys; replaces glutamic acid 602 with lysine.
Molecular consequence: missense variant. On other transcripts: non-coding transcript variant (2).
Genome position (GRCh38, 1-based): chr9:137,107,570, G>A. VCF-style: chr9-137107570-G-A. GRCh37 (hg19) VCF-style: chr9-140002022-G-A.
Other names: c.1696G>A, p.Glu566Lys (NM_007230.1); short protein forms E566K, E602K.
Identifiers: ClinVar variation 2576946 (VCV002576946.2), dbSNP rs1831159822, ClinGen allele CA375708116.